The following is an entry in ClinVar:

NM_006306.4(SMC1A):c.3549_3552dup (p.Ile1185fs)

Gene: SMC1A (structural maintenance of chromosomes 1A; minus strand). Cytogenetic location: Xp11.22.
Variant type: Duplication.
Coding change: c.3549_3552dup on transcript NM_006306.4 (MANE Select); coding-DNA positions 3549 to 3552, 4 bases duplicated (GGCC; older notation c.3549_3552dupGGCC).
Protein change: p.Ile1185fs; shifts the reading frame from isoleucine 1185.
Molecular consequence: frameshift variant.
Genome position (GRCh38, 1-based): chrX:53,380,686-53,380,689, GGCC duplicated on the plus strand (GGCC on the coding strand, the reverse complement: SMC1A is on the minus strand). VCF-style (leftmost placement, unchanged base first): chrX-53380685-T-TGGCC. GRCh37 (hg19) VCF-style: chrX-53407606-T-TGGCC.
Other names: c.3549_3552dupGGCC (NM_006306.3); c.3483_3486dup, p.Ile1163fs (NM_001281463.1); short protein forms I1163fs, I1185fs.
Identifiers: ClinVar variation 208627 (VCV000208627.5), dbSNP rs863225459, ClinGen allele CA277857.

ClinVar aggregate classification (germline): Pathogenic. Review status: criteria provided, single submitter (1 of 4 stars). 2 submissions from 2 submitters: Pathogenic (1). 1 of the submissions does not count toward it. Last evaluated 2015-09-08.

Conditions:
Congenital muscular hypertrophy-cerebral syndrome (CDLS2). Also called: Cornelia de Lange syndrome 2; SMC1A-Related Cornelia de Lange Syndrome. Identifiers: Orphanet 199, MedGen C1802395, MONDO:0010370, OMIM 300590.
Developmental and epileptic encephalopathy, 85, with or without midline brain defects. Also called: EPILEPTIC ENCEPHALOPATHY, EARLY INFANTILE, 85, WITH OR WITHOUT MIDLINE BRAIN DEFECTS. Identifiers: MedGen C5393312, MONDO:0026771, OMIM 301044.

Submissions (2):

Center for Human Genetics, University Hospitals Case Medical Center/Case Western Reserve University
Classification: Pathogenic for Cornelia de Lange Syndrome 2; CDLS2. Last evaluated: 2015-09-08. Review status: criteria provided, single submitter. Criteria: Submitter's publication. Collection method: clinical testing. Allele origin: de novo. Affected: yes. Observed: 1 variant allele.
Comment: Developmental delay and seizures, with either mild or absent classic CdLS facial features.

OMIM
Classification: Pathogenic for DEVELOPMENTAL AND EPILEPTIC ENCEPHALOPATHY 85 WITH MIDLINE BRAIN DEFECTS. Last evaluated: 2015-10-01. Review status: no assertion criteria provided. Collection method: literature only. Allele origin: germline. Not counted in ClinVar's aggregate classification.

Literature cited by the submitters: PubMed 26386245 (cited by OMIM).